The following is an entry in ClinVar:

NM_002074.5(GNB1):c.280C>T (p.Pro94Ser)

Gene: GNB1 (G protein subunit beta 1; minus strand). Cytogenetic location: 1p36.33.
Variant type: single nucleotide variant.
Coding change: c.280C>T on transcript NM_002074.5 (MANE Select); coding-DNA position 280, C replaced by T.
Protein change: p.Pro94Ser; replaces proline 94 with serine.
Molecular consequence: missense variant. On other transcripts: 5 prime UTR variant (1).
Genome position (GRCh38, 1-based): chr1:1,804,569, G>A on the plus strand (C>T on the coding strand, the complement: GNB1 is on the minus strand). VCF-style: chr1-1804569-G-A. GRCh37 (hg19) VCF-style: chr1-1736008-G-A.
Other names: c.-21C>T (NM_001282538.2); c.280C>T, p.Pro94Ser (NM_001282539.2); short protein forms P94S.
Identifiers: ClinVar variation 976435 (VCV000976435.2), dbSNP rs1646671069, ClinGen allele CA337915415.

ClinVar aggregate classification (germline): Uncertain significance. Review status: criteria provided, multiple submitters, no conflicts (2 of 4 stars). 2 submissions from 2 submitters: Uncertain significance (2). Last evaluated 2024-01-02.

Conditions:
Intellectual developmental disorder, autosomal dominant 42. Also called: Intellectual disability, autosomal dominant 42; GNB1 Encephalopathy; Global developmental delay-neuro-ophthalmological abnormalities-seizures-intellectual disability syndrome. Identifiers: Orphanet 488613, MedGen C4310774, MONDO:0014855, OMIM 616973.

Submissions (2):

Women's Health and Genetics/Laboratory Corporation of America, LabCorp
Classification: Uncertain significance. Last evaluated: 2024-01-02. Review status: criteria provided, single submitter. Criteria: LabCorp Variant Classification Summary - May 2015. Collection method: clinical testing. Allele origin: germline.
Comment: Variant summary: GNB1 c.280C>T (p.Pro94Ser) results in a non-conservative amino acid change located in the G-protein, beta subunit (IPR001632) of the encoded protein sequence. Three of five in-silico tools predict a benign effect of the variant on protein function. The variant was absent in 234408 control chromosomes (gnomAD). The available data on variant occurrences in the general population are insufficient to allow any conclusion about variant significance. c.280C>T has been reported in the literature in an individual affected with global developmental delay with intellectual disability (Lohmann_2017). These data do not allow any conclusion about variant significance. This publication also reports experimental evidence evaluating an impact on protein function, finding a mild decrease in activity in BRET-based cellular assays. The following publication has been ascertained in the context of this evaluation (PMID: 28087732). One submitter has cited a clinical-significance assessment for this variant to ClinVar after 2014 and has classified the variant as uncertain significance. Based on the evidence outlined above, the variant was classified as uncertain significance.

Institute of Human Genetics, University of Leipzig Medical Center
Classification: Uncertain significance for Intellectual developmental disorder, autosomal dominant 42. Last evaluated: 2019-11-07. Review status: criteria provided, single submitter. Criteria: ACMG Guidelines, 2015. Collection method: clinical testing. Allele origin: germline. Affected: yes. Observed: 1 variant allele.

Literature cited by the submitters: PubMed 28087732 (cited by Women's Health and Genetics/Laboratory Corporation of America, LabCorp).